The following is an entry in ClinVar:

NM_000388.4(CASR):c.167A>T (p.Glu56Val)

Gene: CASR (calcium sensing receptor; plus strand). Cytogenetic location: 3q21.1.
Variant type: single nucleotide variant.
Coding change: c.167A>T on transcript NM_000388.4 (MANE Select); coding-DNA position 167, A replaced by T.
Protein change: p.Glu56Val; replaces glutamic acid 56 with valine.
Molecular consequence: missense variant.
Genome position (GRCh38, 1-based): chr3:122,254,356, A>T. VCF-style: chr3-122254356-A-T. GRCh37 (hg19) VCF-style: chr3-121973203-A-T.
Other names: c.167A>T, p.Glu56Val (NM_001178065.2); short protein forms E56V.
Identifiers: ClinVar variation 1416817 (VCV001416817.8), dbSNP rs2107625061, ClinGen allele CA354362275.

ClinVar aggregate classification (germline): Uncertain significance (1 of 4 stars; one submission).

Conditions:
Autosomal dominant hypocalcemia 1 (HYPOC1). Also called: HYPOCALCEMIA, FAMILIAL. Identifiers: MedGen C3715128, MONDO:0011013, OMIM 601198.
Familial hypocalciuric hypercalcemia (FHH). Also called: Familial benign hypercalcemia. Identifiers: Orphanet 405, MedGen C1809471, MONDO:0018458.

Submission:

Labcorp Genetics (formerly Invitae), Labcorp
Classification: Uncertain significance for Familial hypocalciuric hypercalcemia; Autosomal dominant hypocalcemia 1. Last evaluated: 2021-04-28. Review status: criteria provided, single submitter. Criteria: Invitae Variant Classification Sherloc (09022015). Collection method: clinical testing. Allele origin: germline.
Comment: In summary, the available evidence is currently insufficient to determine the role of this variant in disease. Therefore, it has been classified as a Variant of Uncertain Significance. Algorithms developed to predict the effect of missense changes on protein structure and function (SIFT, PolyPhen-2, Align-GVGD) all suggest that this variant is likely to be disruptive, but these predictions have not been confirmed by published functional studies and their clinical significance is uncertain. This variant has not been reported in the literature in individuals with CASR-related conditions. This variant is not present in population databases (ExAC no frequency). This sequence change replaces glutamic acid with valine at codon 56 of the CASR protein (p.Glu56Val). The glutamic acid residue is highly conserved and there is a moderate physicochemical difference between glutamic acid and valine.